The following is an entry in ClinVar:

ClinVar aggregate classification (germline): Uncertain significance. Review status: criteria provided, multiple submitters, no conflicts (2 of 4 stars). 7 submissions from 7 submitters: Uncertain significance (7). Last evaluated 2026-02-03.

Conditions:
Fanconi anemia (FA). Also called: Fanconi's anemia. Identifiers: Orphanet 84, MedGen C0015625, MeSH D005199, MONDO:0019391.
Fanconi anemia complementation group P. Also called: SLX4-Related Fanconi Anemia. Identifiers: Orphanet 84, MedGen C3469542, MONDO:0013499, OMIM 613951.

Allele frequency attached by ClinVar (database versions not stated): gnomAD 0.00016; TOPMed 0.00020; ExAC 0.00026; ESP Exome Variant Server 0.00008; gnomAD exomes 0.00021.
gnomAD v4.1: 354 of 1,613,880 alleles (0.022%); highest among the groups gnomAD compares: Middle Eastern, 0.41%; no homozygotes.

Submissions (7):

Labcorp Genetics (formerly Invitae), Labcorp
Classification: Uncertain significance for Fanconi anemia. Last evaluated: 2026-02-03. Review status: criteria provided, single submitter. Criteria: Invitae Variant Classification Sherloc (09022015). Collection method: clinical testing. Allele origin: germline.
Comment: This sequence change replaces glutamine, which is neutral and polar, with lysine, which is basic and polar, at codon 1314 of the SLX4 protein (p.Gln1314Lys). This variant is present in population databases (rs142040192, gnomAD 0.03%). This missense change has been observed in individual(s) with ovarian cancer (PMID: 32546565). ClinVar contains an entry for this variant (Variation ID: 319154). An algorithm developed to predict the effect of missense changes on protein structure and function (PolyPhen-2) suggests that this variant is likely to be tolerated. In summary, the available evidence is currently insufficient to determine the role of this variant in disease. Therefore, it has been classified as a Variant of Uncertain Significance.

Dasa
Classification: Uncertain significance. Last evaluated: 2025-07-21. Review status: criteria provided, single submitter. Criteria: DASA Assertion Criteria. Collection method: clinical testing. Allele origin: germline.
Comment: NM_032444.4(SLX4):c.3940C>A (p.Gln1314Lys) is a missense variant that results in the substitution of glutamine with lysine. This variant is rare in population databases. Computational prediction algorithms are consistent with a benign effect. The currently available literature and clinical evidence are not sufficient to establish a definitive association between this variant and the reported condition. Therefore, this variant is classified as a variant of uncertain significance.

Fulgent Genetics
Classification: Uncertain significance for Fanconi anemia complementation group P. Last evaluated: 2022-05-24. Review status: criteria provided, single submitter. Criteria: ACMG Guidelines, 2015. Collection method: clinical testing. Allele origin: unknown.

GeneDx
Classification: Uncertain significance. Last evaluated: 2022-03-04. Review status: criteria provided, single submitter. Criteria: GeneDx Variant Classification Process June 2021. Collection method: clinical testing. Allele origin: germline. Affected: yes.
Comment: In silico analysis supports that this missense variant does not alter protein structure/function; Has not been previously published as pathogenic or benign to our knowledge

Sema4
Classification: Uncertain significance for Fanconi anemia. Last evaluated: 2022-01-04. Review status: criteria provided, single submitter. Criteria: Sema4 Curation Guidelines. Collection method: curation. Allele origin: germline.
Comment: The SLX4 c.3940C>A (p.Q1314K) variant has been reported in 4/6385 cases and 2/6115 controls in an ovarian cancer case-control study (PMID: 32546565). It was observed in 59/282564 chromosomes across all populations, with no homozygotes, in the large and broad cohorts of the Genome Aggregation Database (PMID: 32461654). The variant has been reported in ClinVar (Variation ID 319154). Functional studies have not been performed, and in silico predictions of the variant's effect on protein function are inconclusive. The evidence is insufficient to meet ACMG/AMP criteria for classifying the variant as benign or pathogenic. Thus, the clinical significance of this variant is currently uncertain.

Genetic Services Laboratory, University of Chicago
Classification: Uncertain significance. Last evaluated: 2019-03-18. Review status: criteria provided, single submitter. Criteria: ACMG Guidelines, 2015. Collection method: clinical testing. Allele origin: germline. Affected: no.

Illumina Laboratory Services, Illumina
Classification: Uncertain significance for Fanconi anemia complementation group P. Last evaluated: 2018-01-13. Review status: criteria provided, single submitter. Criteria: ICSL Variant Classification Criteria 13 December 2019. Collection method: clinical testing. Allele origin: germline.

Literature cited by the submitters: PubMed 32546565 (cited by Labcorp Genetics (formerly Invitae), Labcorp and Sema4).

NM_032444.4(SLX4):c.3940C>A (p.Gln1314Lys)

Gene: SLX4 (SLX4 structure-specific endonuclease subunit; minus strand). Cytogenetic location: 16p13.3.
Variant type: single nucleotide variant.
Coding change: c.3940C>A on transcript NM_032444.4 (MANE Select); coding-DNA position 3940, C replaced by A.
Protein change: p.Gln1314Lys; replaces glutamine 1314 with lysine.
Molecular consequence: missense variant.
Genome position (GRCh38, 1-based): chr16:3,589,698, G>T on the plus strand (C>A on the coding strand, the complement: SLX4 is on the minus strand). VCF-style: chr16-3589698-G-T. GRCh37 (hg19) VCF-style: chr16-3639699-G-T.
Other names: c.3940C>A (LRG_503t1); short protein forms Q1314K.
Identifiers: ClinVar variation 319154 (VCV000319154.28), dbSNP rs142040192, ClinGen allele CA7865782.
Genomic context (GRCh38, chr16:3,589,698, plus strand): 5'-CAGAAGTTCCTGGAGAGACGGGAGTGAGGCATGAGGACGGTGTCTGGGGCGGTGGTGTCT[G>T]GGGCCTGATGACAGAAAACTTCTGTGCGACTTCGTTCCCTTCCCTGTTTCCTACTGAGGC-3'
Protein context (NP_115820.2, residues 1304-1324): VAQKFSVIRP[Gln1314Lys]TPPPQTPSSC